The following is an entry in ClinVar:

NM_002439.5(MSH3):c.1942C>G (p.Leu648Val)

Gene: MSH3 (mutS homolog 3; plus strand). Cytogenetic location: 5q14.1.
Variant type: single nucleotide variant.
Coding change: c.1942C>G on transcript NM_002439.5 (MANE Select); coding-DNA position 1942, C replaced by G.
Protein change: p.Leu648Val; replaces leucine 648 with valine.
Molecular consequence: missense variant.
Genome position (GRCh38, 1-based): chr5:80,767,978, C>G. VCF-style: chr5-80767978-C-G. GRCh37 (hg19) VCF-style: chr5-80063797-C-G.
Other names: short protein forms L648V.
Identifiers: ClinVar variation 2126825 (VCV002126825.4), dbSNP rs2546773580, ClinGen allele CA360277529.

ClinVar aggregate classification (germline): Uncertain significance (1 of 4 stars; one submission).

Submission:

Labcorp Genetics (formerly Invitae), Labcorp
Classification: Uncertain significance. Last evaluated: 2022-04-16. Review status: criteria provided, single submitter. Criteria: Invitae Variant Classification Sherloc (09022015). Collection method: clinical testing. Allele origin: germline.
Comment: This sequence change replaces leucine, which is neutral and non-polar, with valine, which is neutral and non-polar, at codon 648 of the MSH3 protein (p.Leu648Val). In summary, the available evidence is currently insufficient to determine the role of this variant in disease. Therefore, it has been classified as a Variant of Uncertain Significance. Algorithms developed to predict the effect of missense changes on protein structure and function (SIFT, PolyPhen-2, Align-GVGD) all suggest that this variant is likely to be tolerated. This variant has not been reported in the literature in individuals affected with MSH3-related conditions. This variant is not present in population databases (gnomAD no frequency).